The following is an entry in ClinVar:

ClinVar aggregate classification (germline): Uncertain significance (1 of 4 stars; one submission).

Conditions:
Epidermolysis bullosa, junctional 2A, intermediate. Also called: EPIDERMOLYSIS BULLOSA, JUNCTIONAL 2A, GENERALIZED INTERMEDIATE; EPIDERMOLYSIS BULLOSA, JUNCTIONAL 2A, NON-HERLITZ TYPE. Identifiers: MedGen C5676936, MONDO:0030746, OMIM 619783.
Epidermolysis bullosa, junctional 2B, severe. Also called: EPIDERMOLYSIS BULLOSA, JUNCTIONAL 2B, GENERALIZED SEVERE; EPIDERMOLYSIS BULLOSA, JUNCTIONAL 2B, HERLITZ TYPE. Identifiers: MedGen C5676937, MONDO:0030747, OMIM 619784.
Laryngo-onycho-cutaneous syndrome (JEB2C). Also called: EPIDERMOLYSIS BULLOSA, JUNCTIONAL 2C, LARYNGOONYCHOCUTANEOUS; SHABBIR SYNDROME; LOGIC SYNDROME. Identifiers: Orphanet 2407, MedGen C1328355, MONDO:0009513, OMIM 245660.

gnomAD v4.1: 85 of 1,614,072 alleles (0.0053%); highest among the groups gnomAD compares: East Asian, 0.056%; 2 homozygotes.

Submission:

Juno Genomics, Hangzhou Juno Genomics, Inc
Classification: Uncertain significance for Epidermolysis bullosa, junctional 2A, intermediate; Epidermolysis bullosa, junctional 2B, severe; Laryngo-onycho-cutaneous syndrome. Review status: criteria provided, single submitter. Criteria: ACMG Guidelines, 2015. Collection method: clinical testing. Allele origin: germline.
Comment: Null variant in a gene where loss of function (LOF) is a known mechanism of disease.;Observed in a healthy adult individual for a recessive/dominant/X-linked disorder with full penetrance.

NM_198129.4(LAMA3):c.2233C>T (p.Arg745Ter)

Gene: LAMA3 (laminin subunit alpha 3; plus strand). Cytogenetic location: 18q11.2.
Variant type: single nucleotide variant.
Coding change: c.2233C>T on transcript NM_198129.4 (MANE Select); coding-DNA position 2233, C replaced by T.
Protein change: p.Arg745Ter; replaces arginine 745 with a stop codon.
Molecular consequence: nonsense.
Genome position (GRCh38, 1-based): chr18:23,819,926, C>T. VCF-style: chr18-23819926-C-T. GRCh37 (hg19) VCF-style: chr18-21399890-C-T.
Other names: c.2233C>T, p.Arg745Ter (NM_001127717.4); short protein forms R745*.
Identifiers: ClinVar variation 5005873 (VCV005005873.2).